The following is an entry in ClinVar:

NM_003482.4(KMT2D):c.12667C>T (p.Gln4223Ter)

Gene: KMT2D (lysine methyltransferase 2D; minus strand). Cytogenetic location: 12q13.12.
Variant type: single nucleotide variant.
Coding change: c.12667C>T on transcript NM_003482.4 (MANE Select); coding-DNA position 12667, C replaced by T.
Protein change: p.Gln4223Ter; replaces glutamine 4223 with a stop codon.
Molecular consequence: nonsense.
Genome position (GRCh38, 1-based): chr12:49,032,038, G>A on the plus strand (C>T on the coding strand, the complement: KMT2D is on the minus strand). VCF-style: chr12-49032038-G-A. GRCh37 (hg19) VCF-style: chr12-49425821-G-A.
Other names: short protein forms Q4223*.
Identifiers: ClinVar variation 488744 (VCV000488744.10), dbSNP rs1555187956, ClinGen allele CA384709963.

ClinVar aggregate classification (germline): Pathogenic. Review status: criteria provided, multiple submitters, no conflicts (2 of 4 stars). 4 submissions from 4 submitters: Pathogenic (4). Last evaluated 2025-01-06.

Conditions:
KMT2D-related disorder. Also called: KMT2D-Related Disorders.
Kabuki syndrome. Also called: NIIKAWA-KUROKI SYNDROME; Kabuki make-up syndrome. Identifiers: Orphanet 2322, MedGen C0796004, MONDO:0016512.
Kabuki syndrome 1 (KABUK1). Also called: KMT2D-Related Kabuki Syndrome. Identifiers: Orphanet 2322, MedGen CN030661, MONDO:0007843, OMIM 147920.

Submissions (4):

Labcorp Genetics (formerly Invitae), Labcorp
Classification: Pathogenic for Kabuki syndrome. Last evaluated: 2025-01-06. Review status: criteria provided, single submitter. Criteria: Invitae Variant Classification Sherloc (09022015). Collection method: clinical testing. Allele origin: germline.
Comment: This sequence change creates a premature translational stop signal (p.Gln4223*) in the KMT2D gene. It is expected to result in an absent or disrupted protein product. Loss-of-function variants in KMT2D are known to be pathogenic (PMID: 22126750). This variant is not present in population databases (gnomAD no frequency). This premature translational stop signal has been observed in individual(s) with clinical features of Kabuki syndrome (PMID: 27302555, 28973083, 36474027). ClinVar contains an entry for this variant (Variation ID: 488744). For these reasons, this variant has been classified as Pathogenic.

Daryl Scott Lab, Baylor College of Medicine
Classification: Pathogenic for Kabuki syndrome 1. Last evaluated: 2022-02-01. Review status: criteria provided, single submitter. Criteria: ACMG Guidelines, 2015. Collection method: clinical testing. Allele origin: de novo. Affected: yes. Observed: 1 variant allele.

GeneDx
Classification: Pathogenic. Last evaluated: 2019-04-22. Review status: criteria provided, single submitter. Criteria: GeneDx Variant Classification Process June 2021. Collection method: clinical testing. Allele origin: germline. Affected: yes.
Comment: Nonsense variant predicted to result in protein truncation or nonsense mediated decay in a gene for which loss-of-function is a known mechanism of disease; Not observed in large population cohorts (Lek et al., 2016); This variant is associated with the following publications: (PMID: 27302555, 28973083)

Rady Children's Institute for Genomic Medicine, Rady Children's Hospital San Diego
Classification: Pathogenic for KMT2D-related disorders. Review status: criteria provided, single submitter. Criteria: ACMG Guidelines, 2015. Collection method: clinical testing. Allele origin: germline.
Comment: This nonsense variant found in exon 39 of 54 is predicted to result in loss of normal protein function through either protein truncation or nonsense-mediated mRNA decay. Loss-of-function variation in KMT2D is an established mechanism of disease (PMID:27302555). This variant has been previously reported as a heterozygous change in patients with Kabuki Syndrome (PMID: 28973083, 27302555). The c.12667C>T (p.Gln4223Ter) variant is absent from the gnomAD population database and thus is presumed to be rare. Based on the available evidence, c.12667C>T (p.Gln4223Ter) is classified as Pathogenic.

Literature cited by the submitters: PubMed 22126750 (cited by Labcorp Genetics (formerly Invitae), Labcorp); PubMed 27302555 (cited by Labcorp Genetics (formerly Invitae), Labcorp); PubMed 28973083 (cited by Labcorp Genetics (formerly Invitae), Labcorp); PubMed 36474027 (cited by Labcorp Genetics (formerly Invitae), Labcorp and Daryl Scott Lab, Baylor College of Medicine).